The following is an entry in ClinVar:

NM_000535.7(PMS2):c.23+72C>T

Genes: PMS2 (PMS1 homolog 2, mismatch repair system component; minus strand), LOC129997916 (ATAC-STARR-seq lymphoblastoid active region 25614; plus strand). Cytogenetic location: 7p22.1.
Variant type: single nucleotide variant.
Coding change: c.23+72C>T on transcript NM_000535.7 (MANE Select); 72 bases into the intron after coding-DNA position 23, C replaced by T.
Molecular consequence: intron variant. On other transcripts: 5 prime UTR variant (2).
Genome position (GRCh38, 1-based): chr7:6,008,925, G>A on the plus strand (C>T on the coding strand, the complement: PMS2 is on the minus strand). VCF-style: chr7-6008925-G-A. GRCh37 (hg19) VCF-style: chr7-6048556-G-A.
Other names: c.-501C>T (NM_001322005.2); c.-496C>T (NM_001322009.2); c.-53+72C>T (NM_001322008.2); c.-243+72C>T (NM_001322010.2, NM_001322004.2); c.-378+72C>T (NM_001322013.2, NM_001322003.2); c.-857+72C>T (NM_001322012.2); c.-457+72C>T (NM_001322015.2); c.-193+72C>T (NM_001322007.2); and 2 more.
Identifiers: ClinVar variation 1169336 (VCV001169336.20), dbSNP rs3735295, ClinGen allele CA12455399.

ClinVar aggregate classification (germline): Benign. Review status: criteria provided, multiple submitters, no conflicts (2 of 4 stars). 3 submissions from 3 submitters: Benign (3). Last evaluated 2026-02-02.

Conditions:
Hereditary nonpolyposis colorectal neoplasms. Identifiers: MedGen C0009405, MeSH D003123.

Allele frequency attached by ClinVar (database versions not stated): ESP Exome Variant Server 0.21215; TOPMed 0.22186; gnomAD 0.22621 and 0.22869; 1000 Genomes Project 0.22744; 1000 Genomes Project 30x 0.23048.
gnomAD v4.1: 311,678 of 1,564,254 alleles (20%); highest among the groups gnomAD compares: African/African-American, 32%; 32,692 homozygotes.

Submissions (3):

Labcorp Genetics (formerly Invitae), Labcorp
Classification: Benign for Hereditary nonpolyposis colorectal neoplasms. Last evaluated: 2026-02-02. Review status: criteria provided, single submitter. Criteria: Invitae Variant Classification Sherloc (09022015). Collection method: clinical testing. Allele origin: germline.

ARUP Laboratories, Molecular Genetics and Genomics, ARUP Laboratories
Classification: Benign. Last evaluated: 2023-11-22. Review status: criteria provided, single submitter. Criteria: ARUP Molecular Germline Variant Investigation Process 2024. Collection method: clinical testing. Allele origin: germline.

GeneDx
Classification: Benign. Last evaluated: 2015-03-03. Review status: criteria provided, single submitter. Criteria: GeneDx Variant Classification Process June 2021. Collection method: clinical testing. Allele origin: germline. Affected: yes.
Comment: This variant is associated with the following publications: (PMID: 28874130)